The following is an entry in ClinVar:

ClinVar aggregate classification (germline): Uncertain significance (1 of 4 stars; one submission).

gnomAD v4.1: 18 of 1,549,458 alleles (0.0012%); highest among the groups gnomAD compares: African/African-American, 0.0082%; 1 homozygote.

Submission:

Labcorp Genetics (formerly Invitae), Labcorp
Classification: Uncertain significance. Last evaluated: 2022-07-06. Review status: criteria provided, single submitter. Criteria: Invitae Variant Classification Sherloc (09022015). Collection method: clinical testing. Allele origin: germline.
Comment: Algorithms developed to predict the effect of sequence changes on RNA splicing suggest that this variant may disrupt the consensus splice site. Algorithms developed to predict the effect of missense changes on protein structure and function output the following: SIFT: "Tolerated"; PolyPhen-2: "Benign"; Align-GVGD: "Class C0". The serine amino acid residue is found in multiple mammalian species, which suggests that this missense change does not adversely affect protein function. In summary, the available evidence is currently insufficient to determine the role of this variant in disease. Therefore, it has been classified as a Variant of Uncertain Significance. ClinVar contains an entry for this variant (Variation ID: 1403533). This variant has not been reported in the literature in individuals affected with OTOG-related conditions. This variant is not present in population databases (gnomAD no frequency). This sequence change replaces arginine, which is basic and polar, with serine, which is neutral and polar, at codon 2520 of the OTOG protein (p.Arg2520Ser).

NM_001292063.2(OTOG):c.7522C>A (p.Arg2508Ser)

Gene: OTOG (otogelin; plus strand). Cytogenetic location: 11p15.1.
Variant type: single nucleotide variant.
Coding change: c.7522C>A on transcript NM_001292063.2 (MANE Select); coding-DNA position 7522, C replaced by A.
Protein change: p.Arg2508Ser; replaces arginine 2508 with serine.
Molecular consequence: missense variant.
Genome position (GRCh38, 1-based): chr11:17,634,885, C>A. VCF-style: chr11-17634885-C-A. GRCh37 (hg19) VCF-style: chr11-17656432-C-A.
Other names: c.7558C>A, p.Arg2520Ser (NM_001277269.2); short protein forms R2520S, R2508S.
Identifiers: ClinVar variation 1403533 (VCV001403533.8), dbSNP rs1430372915, ClinGen allele CA379812624.